The following is an entry in ClinVar:

NM_000371.4(TTR):c.161G>C (p.Arg54Thr)

Gene: TTR (transthyretin; plus strand). Cytogenetic location: 18q12.1.
Variant type: single nucleotide variant.
Coding change: c.161G>C on transcript NM_000371.4 (MANE Select); coding-DNA position 161, G replaced by C.
Protein change: p.Arg54Thr; replaces arginine 54 with threonine.
Molecular consequence: missense variant.
Genome position (GRCh38, 1-based): chr18:31,592,987, G>C. VCF-style: chr18-31592987-G-C. GRCh37 (hg19) VCF-style: chr18-29172950-G-C.
Other names: short protein forms R54T.
Identifiers: ClinVar variation 840757 (VCV000840757.10), dbSNP rs1598844187, ClinGen allele CA402156799.
Genomic context (GRCh38, chr18:31,592,987, plus strand): 5'-TCAAAGTTCTAGATGCTGTCCGAGGCAGTCCTGCCATCAATGTGGCCGTGCATGTGTTCA[G>C]AAAGGCTGCTGATGACACCTGGGAGCCATTTGCCTCTGGGTAAGTTGCCAAAGAACCCTC-3'
Protein context (NP_000362.1, residues 44-64): PAINVAVHVF[Arg54Thr]KAADDTWEPF

ClinVar aggregate classification (germline): Pathogenic/Likely pathogenic. Review status: criteria provided, multiple submitters, no conflicts (2 of 4 stars). 4 submissions from 4 submitters: Pathogenic (2); Likely pathogenic (2). Last evaluated 2026-05-15.

Conditions:
Cardiovascular phenotype. Identifiers: MedGen CN230736.
Amyloidosis, hereditary systemic 1 (AMYLD1). Also called: Familial amyloid polyneuropathy; AMYLOID CARDIOMYOPATHY; Hereditary Transthyretin Amyloidosis; Transthyretin Amyloidosis; Hereditary oculoleptomeningeal amyloid angiopathy; Familial Transthyretin Amyloidosis. Identifiers: Orphanet 85447, Orphanet 85451, MedGen C2751492, MONDO:0971004, OMIM 105210.
TTR-related disorder. Also called: TTR-related condition; TTR-related disorders.

Submissions (4):

Ambry Genetics
Classification: Pathogenic for Cardiovascular phenotype. Last evaluated: 2026-05-15. Review status: criteria provided, single submitter. Criteria: Ambry Variant Classification Scheme 2023. Collection method: clinical testing. Allele origin: germline.
Comment: The p.R54T pathogenic mutation (also known as c.161G>C), located in coding exon 2 of the TTR gene, results from a G to C substitution at nucleotide position 161. The arginine at codon 54 is replaced by threonine, an amino acid with similar properties. This variant was identified in one or more individuals with features consistent with hereditary transthyretin-related amyloidosis and segregated with disease in at least one family (Patrosso MC et al. Am. J. Med. Genet., 1998 May;77:135-8; Cappellari M et al. J. Peripher. Nerv. Syst., 2011 Jun;16:119-29; Rapezzi C et al. Eur Heart J, 2013 Feb;34:520-8; Coelho T et al. Orphanet J Rare Dis, 2020 Jul;15:179; Liu L et al. Chin Med J (Engl), 2020 Nov;133:2616-2618; Luigetti M et al. Genes (Basel), 2021 May;12; Chen Z et al. J Neuromuscul Dis, 2021;8:723-733; Caponetti AG et al. Eur J Prev Cardiol, 2024 May;31:866-876). Note, this variant is also referred to as T34R and Thr34Arg in the literature. This amino acid position is poorly conserved in available vertebrate species. In addition, this alteration is predicted to be deleterious by in silico analysis. This variant is considered to be rare based on population cohorts in the Genome Aggregation Database (gnomAD). Based on the supporting evidence, this variant is interpreted as a disease-causing mutation.

Labcorp Genetics (formerly Invitae), Labcorp
Classification: Pathogenic for Amyloidosis, hereditary systemic 1. Last evaluated: 2025-12-27. Review status: criteria provided, single submitter. Criteria: Invitae Variant Classification Sherloc (09022015). Collection method: clinical testing. Allele origin: germline.
Comment: This sequence change replaces arginine, which is basic and polar, with threonine, which is neutral and polar, at codon 54 of the TTR protein (p.Arg54Thr). This variant is not present in population databases (gnomAD no frequency). This missense change has been observed in individual(s) with hereditary transthyretin-mediated amyloidosis (hATTR amyloidosis) (PMID: 9605286, 21692911, 22745357, 23713495). It has also been observed to segregate with disease in related individuals. This variant is also known as G1692C, Arg34Thr. ClinVar contains an entry for this variant (Variation ID: 840757). Invitae Evidence Modeling of protein sequence and biophysical properties (such as structural, functional, and spatial information, amino acid conservation, physicochemical variation, residue mobility, and thermodynamic stability) indicates that this missense variant is expected to disrupt TTR protein function with a positive predictive value of 95%. Experimental studies have shown that this missense change affects TTR function (PMID: 17503405). This variant disrupts the p.Arg54 amino acid residue in TTR. Other variant(s) that disrupt this residue have been determined to be pathogenic (PMID: 22187309, 22973891). This suggests that this residue is clinically significant, and that variants that disrupt this residue are likely to be disease-causing. For these reasons, this variant has been classified as Pathogenic.

Blueprint Genetics
Classification: Likely pathogenic for TTR-related disorders. Last evaluated: 2018-09-17. Review status: criteria provided, single submitter. Criteria: ACMG Guidelines, 2015. Collection method: clinical testing. Allele origin: germline. Affected: yes. Observed: 1 variant allele.

Juno Genomics, Hangzhou Juno Genomics, Inc
Classification: Likely pathogenic for Amyloidosis, hereditary systemic 1. Review status: criteria provided, single submitter. Criteria: ACMG Guidelines, 2015. Collection method: clinical testing. Allele origin: germline. Affected: yes.
Comment: Absent from controls (or at extremely low frequency if recessive) in Genome Aggregation Database, Exome Sequencing Project, 1000 Genomes Project, or Exome Aggregation Consortium.;The prevalence of the variant in affected individuals is significantly increased compared to the prevalence in controls.;Patient's phenotype or family history is highly specific for a disease with a single genetic etiology.;Well-established in vitro or in vivo functional studies supportive of a damaging effect on the gene or gene product.

Literature cited by the submitters: PubMed 17503405 (cited by Ambry Genetics and Labcorp Genetics (formerly Invitae), Labcorp); PubMed 21692911 (cited by Ambry Genetics and Labcorp Genetics (formerly Invitae), Labcorp); PubMed 22745357 (cited by Ambry Genetics and Labcorp Genetics (formerly Invitae), Labcorp); PubMed 23713495 (cited by Ambry Genetics and Labcorp Genetics (formerly Invitae), Labcorp); PubMed 32641071 (cited by Ambry Genetics); PubMed 32925285 (cited by Ambry Genetics); PubMed 34024775 (cited by Ambry Genetics); PubMed 34071271 (cited by Ambry Genetics); PubMed 34343569 (cited by Ambry Genetics); PubMed 36835140 (cited by Ambry Genetics); PubMed 38204330 (cited by Ambry Genetics); PubMed 9605286 (cited by Ambry Genetics and Labcorp Genetics (formerly Invitae), Labcorp); PubMed 22187309 (cited by Labcorp Genetics (formerly Invitae), Labcorp); PubMed 22973891 (cited by Labcorp Genetics (formerly Invitae), Labcorp).